The following is an entry in ClinVar:

NM_194248.3(OTOF):c.3677T>C (p.Leu1226Pro)

Gene: OTOF (otoferlin; minus strand). Cytogenetic location: 2p23.3.
Variant type: single nucleotide variant.
Coding change: c.3677T>C on transcript NM_194248.3 (MANE Select); coding-DNA position 3677, T replaced by C.
Protein change: p.Leu1226Pro; replaces leucine 1226 with proline.
Molecular consequence: missense variant.
Genome position (GRCh38, 1-based): chr2:26,473,188, A>G on the plus strand (T>C on the coding strand, the complement: OTOF is on the minus strand). VCF-style: chr2-26473188-A-G. GRCh37 (hg19) VCF-style: chr2-26696056-A-G.
Other names: c.3677T>C, p.Leu1226Pro (NM_001287489.2); c.1436T>C, p.Leu479Pro (NM_004802.4, NM_194323.3); c.1607T>C, p.Leu536Pro (NM_194322.3); short protein forms L1226P, L479P, L536P.
Identifiers: ClinVar variation 5017146 (VCV005017146.1).

ClinVar aggregate classification (germline): Uncertain significance (1 of 4 stars; one submission).

gnomAD v4.1: 15 of 1,612,936 alleles (0.00093%); highest among the groups gnomAD compares: African/African-American, 0.0053%; no homozygotes.

Submission:

GeneDx
Classification: Uncertain significance. Last evaluated: 2026-03-25. Review status: criteria provided, single submitter. Criteria: GeneDx Variant Classification Process June 2021. Collection method: clinical testing. Allele origin: germline.
Comment: Not observed at significant frequency in large population cohorts (gnomAD); In silico analysis supports that this missense variant has a deleterious effect on protein structure/function; Has not been previously published as pathogenic or benign to our knowledge